The following is an entry in ClinVar:

NM_201525.4(ADGRG1):c.620+1G>A

Gene: ADGRG1 (adhesion G protein-coupled receptor G1; plus strand). Cytogenetic location: 16q21.
Variant type: single nucleotide variant.
Coding change: c.620+1G>A on transcript NM_201525.4 (MANE Select); the canonical splice donor site of the intron after coding-DNA position 620, G replaced by A.
Molecular consequence: splice donor variant. On other transcripts: intron variant (1).
Genome position (GRCh38, 1-based): chr16:57,653,336, G>A. VCF-style: chr16-57653336-G-A. GRCh37 (hg19) VCF-style: chr16-57687248-G-A.
Other names: c.95+1G>A (NM_001370454.1, NM_001290144.2, NM_001370451.1 and 2 more transcripts); c.620+1G>A (NM_001145774.3, NM_001370440.1, NM_001370428.1 and 16 more transcripts); c.111-650G>A (NM_001290142.2); c.464+1G>A (NM_001370442.1); c.635+1G>A (NM_001370433.1, NM_001145773.3).
Identifiers: ClinVar variation 158634 (VCV000158634.10), dbSNP rs587783660, ClinGen allele CA271548.

ClinVar aggregate classification (germline): Pathogenic/Likely pathogenic. Review status: criteria provided, multiple submitters, no conflicts (2 of 4 stars). 3 submissions from 3 submitters: Pathogenic (2); Likely pathogenic (1). Last evaluated 2025-12-07.

Conditions:
Bilateral frontoparietal polymicrogyria. Also called: CORTICAL DYSPLASIA, COMPLEX, WITH OTHER BRAIN MALFORMATIONS 14A (BILATERAL FRONTOPARIETAL); CEREBELLAR ATAXIA WITH NEURONAL MIGRATION DEFECT. Identifiers: Orphanet 101070, MedGen C1847352, MONDO:0011738, OMIM 606854.

Allele frequency attached by ClinVar (database versions not stated): gnomAD exomes below 0.00001 and 0.00001.
gnomAD v4.1: 2 of 1,608,588 alleles (0.00012%); highest among the groups gnomAD compares: Admixed American, 0.0033%; no homozygotes.

Submissions (3):

3billion
Classification: Pathogenic for Bilateral frontoparietal polymicrogyria. Last evaluated: 2025-12-07. Review status: criteria provided, single submitter. Criteria: ACMG Guidelines, 2015. Collection method: clinical testing. Allele origin: germline. Affected: yes.
Comment: The variant is observed at an extremely low frequency in the gnomAD v4.1.0 dataset (total allele frequency: <0.001%). Predicted Consequence/Location: Canonical splice site: predicted to alter splicing and result in a loss or disruption of normal protein function. Multiple pathogenic loss-of-function variants are reported downstream of the variant. In silico tools predict the variant to alter splicing and produce an abnormal transcript [SpliceAI: 0.98 (spliceogenicity >=0.2, non-spliceogenicity <0.1)]. The variant has been reported to be associated with ADGRG1-related disorder (ClinVar ID: VCV000158634). Therefore, this variant is classified as Pathogenic according to the recommendation of ACMG/AMP guideline.

Labcorp Genetics (formerly Invitae), Labcorp
Classification: Likely pathogenic. Last evaluated: 2023-11-30. Review status: criteria provided, single submitter. Criteria: Invitae Variant Classification Sherloc (09022015). Collection method: clinical testing. Allele origin: germline.
Comment: This sequence change affects a donor splice site in intron 5 of the ADGRG1 gene. It is expected to disrupt RNA splicing. Variants that disrupt the donor or acceptor splice site typically lead to a loss of protein function (PMID: 16199547), and loss-of-function variants in ADGRG1 are known to be pathogenic (PMID: 15044805, 20929962). This variant is present in population databases (rs587783660, gnomAD 0.006%). This variant has not been reported in the literature in individuals affected with ADGRG1-related conditions. ClinVar contains an entry for this variant (Variation ID: 158634). Algorithms developed to predict the effect of sequence changes on RNA splicing suggest that this variant may disrupt the consensus splice site. In summary, the currently available evidence indicates that the variant is pathogenic, but additional data are needed to prove that conclusively. Therefore, this variant has been classified as Likely Pathogenic.

Genetic Services Laboratory, University of Chicago
Classification: Pathogenic for Polymicrogyria, bilateral frontoparietal. Last evaluated: 2013-02-08. Review status: criteria provided, single submitter. Criteria: ACMG Guidelines, 2007. Collection method: clinical testing. Allele origin: germline. Inheritance: Autosomal recessive inheritance. Affected: yes.

Literature cited by the submitters: PubMed 16199547 (cited by Labcorp Genetics (formerly Invitae), Labcorp); PubMed 15044805 (cited by Labcorp Genetics (formerly Invitae), Labcorp); PubMed 20929962 (cited by Labcorp Genetics (formerly Invitae), Labcorp).